The following is an entry in ClinVar:

ClinVar aggregate classification (germline): Pathogenic (1 of 4 stars; one submission).

Conditions:
Intellectual developmental disorder, autosomal dominant 51. Also called: MENTAL RETARDATION, AUTOSOMAL DOMINANT 51; Intellectual disability, autosomal dominant 51. Identifiers: Orphanet 684226, MedGen C4540474, MONDO:0030917, OMIM 617788.

Submission:

Victorian Clinical Genetics Services, Murdoch Childrens Research Institute
Classification: Pathogenic for Intellectual developmental disorder, autosomal dominant 51. Last evaluated: 2025-07-14. Review status: criteria provided, single submitter. Criteria: ACMG Guidelines, 2015. Collection method: clinical testing. Allele origin: germline. Affected: yes.
Comment: This variant is classified as Pathogenic. Evidence in support of pathogenic classification: Variant is predicted to result in a truncated protein (premature termination codon is NOT located at least 54 nucleotides upstream of the final exon-exon junction) with at least 1/3 of the protein sequence affected; Variant is absent from gnomAD (v2, v3 and v4); Other truncating variant(s) comparable to the one identified in this case have very strong previous evidence for pathogenicity (DECIPHER); Additional information: This variant is heterozygous; This gene is associated with autosomal dominant disease; Loss of function is a known mechanism of disease in this gene and is associated with autosomal dominant intellectual developmental disorder 51 (MIM#617788); Variants in this gene are known to have variable expressivity (PMID: 35433545).

Literature cited by the submitters: PubMed 35433545.

NM_017635.5(KMT5B):c.1208del (p.Lys403fs)

Gene: KMT5B (lysine methyltransferase 5B; minus strand). Cytogenetic location: 11q13.2.
Variant type: Deletion.
Coding change: c.1208del on transcript NM_017635.5 (MANE Select); coding-DNA position 1208, one base deleted (A; older notation c.1208delA).
Protein change: p.Lys403fs; shifts the reading frame from lysine 403.
Molecular consequence: frameshift variant.
Genome position (GRCh38, 1-based): chr11:68,159,138, T deleted on the plus strand (A on the coding strand, the reverse complement: KMT5B is on the minus strand); the first of 6 consecutive T bases (chr11:68,159,138-68,159,143); deleting any one gives the same sequence. VCF-style (leftmost placement, unchanged base first): chr11-68159137-CT-C. GRCh37 (hg19) VCF-style: chr11-67926604-CT-C.
Other names: c.692del, p.Lys231fs (NM_001300907.1, NM_001369428.1, NM_001369429.1 and 4 more transcripts); c.488del, p.Lys163fs (NM_001300908.2); c.1208del, p.Lys403fs (NM_001369426.1); short protein forms K163fs, K231fs, K403fs.
Identifiers: ClinVar variation 4532162 (VCV004532162.1).